The following is an entry in ClinVar:

NM_018979.4(WNK1):c.5144A>G (p.Asn1715Ser)

Gene: WNK1 (WNK lysine deficient protein kinase 1; plus strand). Cytogenetic location: 12p13.33.
Variant type: single nucleotide variant.
Coding change: c.5144A>G on transcript NM_018979.4 (MANE Select); coding-DNA position 5144, A replaced by G.
Protein change: p.Asn1715Ser; replaces asparagine 1715 with serine.
Molecular consequence: missense variant.
Genome position (GRCh38, 1-based): chr12:885,948, A>G. VCF-style: chr12-885948-A-G. GRCh37 (hg19) VCF-style: chr12-995114-A-G.
Other names: c.5924A>G, p.Asn1975Ser (NM_001184985.2); c.4403A>G, p.Asn1468Ser (NM_014823.3); c.5900A>G, p.Asn1967Ser (NM_213655.5); short protein forms N1715S, N1967S, N1975S, N1468S.
Identifiers: ClinVar variation 538524 (VCV000538524.17), dbSNP rs756614581, ClinGen allele CA6383073.

ClinVar aggregate classification (germline): Conflicting classifications of pathogenicity. Review status: criteria provided, conflicting classifications (1 of 4 stars). 6 submissions from 6 submitters: Uncertain significance (5); Likely benign (1). Last evaluated 2026-03-22.

Conditions:
Inborn genetic diseases. Identifiers: MedGen C0950123, MeSH D030342.
Pseudohypoaldosteronism type 2C (PHA2C). Also called: Pseudohypoaldosteronism Type IIC. Identifiers: Orphanet 757, Orphanet 88940, MedGen C1840391, MONDO:0013778, OMIM 614492.
Neuropathy, hereditary sensory and autonomic, type 2A (HSAN2A). Also called: WNK1-Related HSAN2 (HSAN2A); ACROOSTEOLYSIS, GIACCAI TYPE; ACROOSTEOLYSIS, NEUROGENIC; MORVAN DISEASE; NEUROPATHY, CONGENITAL SENSORY; NEUROPATHY, HEREDITARY SENSORY RADICULAR, AUTOSOMAL RECESSIVE. Identifiers: Orphanet 970, MedGen C2752089, MONDO:0024309, OMIM 201300.
WNK1-related disorder. Also called: WNK1-related condition.

Allele frequency attached by ClinVar (database versions not stated): gnomAD 0.00006 and 0.00005; gnomAD exomes 0.00006; TOPMed 0.00003; ExAC 0.00004.
gnomAD v4.1: 73 of 1,595,410 alleles (0.0046%); highest among the groups gnomAD compares: Middle Eastern, 0.067%; 1 homozygote.

Submissions (6):

GeneDx
Classification: Uncertain significance. Last evaluated: 2026-03-22. Review status: criteria provided, single submitter. Criteria: GeneDx Variant Classification Process June 2021. Collection method: clinical testing. Allele origin: germline.
Comment: In silico analysis suggests that this missense variant does not alter protein structure/function; Has not been previously published as pathogenic or benign to our knowledge

Labcorp Genetics (formerly Invitae), Labcorp
Classification: Likely benign for Neuropathy, hereditary sensory and autonomic, type 2A; Pseudohypoaldosteronism type 2C. Last evaluated: 2025-07-30. Review status: criteria provided, single submitter. Criteria: Invitae Variant Classification Sherloc (09022015). Collection method: clinical testing. Allele origin: germline.

Fulgent Genetics
Classification: Uncertain significance for Neuropathy, hereditary sensory and autonomic, type 2A; Pseudohypoaldosteronism type 2C. Last evaluated: 2024-05-14. Review status: criteria provided, single submitter. Criteria: ACMG Guidelines, 2015. Collection method: clinical testing. Allele origin: germline.

PreventionGenetics, part of Exact Sciences
Classification: Uncertain significance for WNK1-related condition. Last evaluated: 2022-11-21. Review status: criteria provided, single submitter. Criteria: ACMG Guidelines, 2015. Collection method: clinical testing. Allele origin: germline.
Comment: The WNK1 c.5144A>G variant is predicted to result in the amino acid substitution p.Asn1715Ser. To our knowledge, this variant has not been reported in the literature. This variant is reported in 0.026% of alleles in individuals of South Asian descent in gnomAD. At this time, the clinical significance of this variant is uncertain due to the absence of conclusive functional and genetic evidence.

Department of Pathology and Laboratory Medicine, Sinai Health System
Classification: Uncertain significance for Neuropathy, hereditary sensory and autonomic, type 2A. Last evaluated: 2022-11-12. Review status: criteria provided, single submitter. Criteria: ACMG Guidelines, 2015. Collection method: research. Allele origin: germline.

Ambry Genetics
Classification: Uncertain significance for Inborn genetic diseases. Last evaluated: 2020-06-15. Review status: criteria provided, single submitter. Criteria: Ambry Variant Classification Scheme 2023. Collection method: clinical testing. Allele origin: germline.
Comment: The p.N1967S variant (also known as c.5900A>G), located in coding exon 19 of the WNK1 gene, results from an A to G substitution at nucleotide position 5900. The asparagine at codon 1967 is replaced by serine, an amino acid with highly similar properties. This amino acid position is not conserved, however, Serine is a reference amino acid in several species. In addition, this alteration is predicted to be tolerated by in silico analysis. Since supporting evidence is limited at this time, the clinical significance of this alteration remains unclear.